The following is an entry in ClinVar:

NM_003764.4(STX11):c.686T>G (p.Leu229Trp)

Gene: STX11 (syntaxin 11; plus strand). Cytogenetic location: 6q24.2.
Variant type: single nucleotide variant.
Coding change: c.686T>G on transcript NM_003764.4 (MANE Select); coding-DNA position 686, T replaced by G.
Protein change: p.Leu229Trp; replaces leucine 229 with tryptophan.
Molecular consequence: missense variant.
Genome position (GRCh38, 1-based): chr6:144,187,313, T>G. VCF-style: chr6-144187313-T-G. GRCh37 (hg19) VCF-style: chr6-144508450-T-G.
Other names: short protein forms L229W.
Identifiers: ClinVar variation 944423 (VCV000944423.7), dbSNP rs757611316, ClinGen allele CA4031765.

ClinVar aggregate classification (germline): Uncertain significance (1 of 4 stars; one submission).

Conditions:
Familial hemophagocytic lymphohistiocytosis 4 (FHL4). Also called: STX11-Related Familial Hemophagocytic Lymphohistiocytosis (STX11-fHLH). Identifiers: Orphanet 540, MedGen C1863728, MONDO:0011336, OMIM 603552.

Allele frequency attached by ClinVar (database versions not stated): gnomAD exomes 0.00002 and 0.00003; TOPMed 0.00002; ExAC 0.00003; gnomAD 0.00005 and 0.00006.
gnomAD v4.1: 34 of 1,611,610 alleles (0.0021%); highest among the groups gnomAD compares: African/African-American, 0.0013%; no homozygotes.

Submission:

Labcorp Genetics (formerly Invitae), Labcorp
Classification: Uncertain significance for Familial hemophagocytic lymphohistiocytosis 4. Last evaluated: 2022-03-19. Review status: criteria provided, single submitter. Criteria: Invitae Variant Classification Sherloc (09022015). Collection method: clinical testing. Allele origin: germline.
Comment: This sequence change replaces leucine, which is neutral and non-polar, with tryptophan, which is neutral and slightly polar, at codon 229 of the STX11 protein (p.Leu229Trp). This variant is present in population databases (rs757611316, gnomAD 0.08%). This variant has not been reported in the literature in individuals affected with STX11-related conditions. ClinVar contains an entry for this variant (Variation ID: 944423). Algorithms developed to predict the effect of missense changes on protein structure and function are either unavailable or do not agree on the potential impact of this missense change (SIFT: "Deleterious"; PolyPhen-2: "Probably Damaging"; Align-GVGD: "Class C0"). In summary, the available evidence is currently insufficient to determine the role of this variant in disease. Therefore, it has been classified as a Variant of Uncertain Significance.